The following is an entry in ClinVar:

ClinVar aggregate classification (germline): Uncertain significance (1 of 4 stars; one submission).

Conditions:
ABCD3-related disorder. Also called: ABCD3-related condition.

gnomAD v4.1: 45 of 1,613,776 alleles (0.0028%); highest among the groups gnomAD compares: Non-Finnish European, 0.0036%; no homozygotes.

Submission:

PreventionGenetics, part of Exact Sciences
Classification: Uncertain significance for ABCD3-related condition. Last evaluated: 2026-05-21. Review status: criteria provided, single submitter. Criteria: ACMG Guidelines, 2015. Collection method: clinical testing. Allele origin: germline.
Comment: The ABCD3 c.946A>G variant is predicted to result in the amino acid substitution p.Ile316Val. To our knowledge, this variant has not been reported in the literature in association with established ABCD3-related disease. This variant is reported in 0.012% of alleles in individuals of African descent in gnomAD. At this time, the clinical significance of this variant is uncertain due to the absence of conclusive functional and genetic evidence.

NM_002858.4(ABCD3):c.946A>G (p.Ile316Val)

Gene: ABCD3 (ATP binding cassette subfamily D member 3; plus strand). Cytogenetic location: 1p21.3.
Variant type: single nucleotide variant.
Coding change: c.946A>G on transcript NM_002858.4 (MANE Select); coding-DNA position 946, A replaced by G.
Protein change: p.Ile316Val; replaces isoleucine 316 with valine.
Molecular consequence: missense variant.
Genome position (GRCh38, 1-based): chr1:94,487,590, A>G. VCF-style: chr1-94487590-A-G. GRCh37 (hg19) VCF-style: chr1-94953146-A-G.
Other names: short protein forms I316V.
Identifiers: ClinVar variation 4988710 (VCV004988710.1).